The following is an entry in ClinVar:

NM_000038.6(APC):c.2916T>C (p.Gly972=)

Gene: APC (APC regulator of Wnt signaling pathway; plus strand). Cytogenetic location: 5q22.2.
Variant type: single nucleotide variant.
Coding change: c.2916T>C on transcript NM_000038.6 (MANE Select); coding-DNA position 2916, T replaced by C.
Protein change: p.Gly972=; no amino-acid change (glycine 972 retained).
Molecular consequence: synonymous variant. On other transcripts: non-coding transcript variant (2).
Genome position (GRCh38, 1-based): chr5:112,838,510, T>C. VCF-style: chr5-112838510-T-C. GRCh37 (hg19) VCF-style: chr5-112174207-T-C.
Other names: c.2916T>C, p.Gly972= (NM_001127510.3, NM_001354895.2, NM_001407450.1); c.2862T>C, p.Gly954= (NM_001127511.3); c.2970T>C, p.Gly990= (NM_001354896.2, NM_001407447.1, NM_001407448.1 and 1 more transcripts); c.2946T>C, p.Gly982= (NM_001354897.2); c.2841T>C, p.Gly947= (NM_001354898.2); c.2832T>C, p.Gly944= (NM_001354899.2); c.2793T>C, p.Gly931= (NM_001354900.2); c.2739T>C, p.Gly913= (NM_001354901.2, NM_001407453.1); and 11 more.
Identifiers: ClinVar variation 1797633 (VCV001797633.7), dbSNP rs1765293802, ClinGen allele CA445963066.

ClinVar aggregate classification (germline): Benign/Likely benign. Review status: criteria provided, multiple submitters, no conflicts (2 of 4 stars). 3 submissions from 3 submitters: Benign (1); Likely benign (2). Last evaluated 2024-03-20.

Conditions:
Hereditary cancer-predisposing syndrome. Also called: Neoplastic Syndromes, Hereditary; Tumor predisposition; Hereditary Cancer Syndrome; Hereditary neoplastic syndrome. Identifiers: Orphanet 140162, MedGen C0027672, MeSH D009386, MONDO:0015356.
Familial adenomatous polyposis 1 (FAP1). Also called: POLYPOSIS, ADENOMATOUS INTESTINAL; FAMILIAL ADENOMATOUS POLYPOSIS 1, ATTENUATED. Identifiers: MedGen C2713442, MONDO:0021056, OMIM 175100. Disease mechanism: loss of function.

Allele frequency attached by ClinVar (database versions not stated): gnomAD 0.00001.

Submissions (3):

Labcorp Genetics (formerly Invitae), Labcorp
Classification: Likely benign for Familial adenomatous polyposis 1. Last evaluated: 2024-03-20. Review status: criteria provided, single submitter. Criteria: Invitae Variant Classification Sherloc (09022015). Collection method: clinical testing. Allele origin: germline.

Myriad Genetics, Inc.
Classification: Benign for Familial adenomatous polyposis 1. Last evaluated: 2024-03-15. Review status: criteria provided, single submitter. Criteria: Myriad Autosomal Dominant, Autosomal Recessive and X-Linked Classification Criteria (2023). Collection method: clinical testing. Allele origin: unknown.
Comment: This variant is considered benign. This variant is a silent/synonymous amino acid change and it is not expected to impact splicing.

Ambry Genetics
Classification: Likely benign for Hereditary cancer-predisposing syndrome. Last evaluated: 2022-08-09. Review status: criteria provided, single submitter. Criteria: Ambry Variant Classification Scheme 2023. Collection method: clinical testing. Allele origin: germline.